The following is an entry in ClinVar:

NM_001303052.2(MYT1L):c.2242C>T (p.Gln748Ter)

Gene: MYT1L (myelin transcription factor 1 like; minus strand). Cytogenetic location: 2p25.3.
Variant type: single nucleotide variant.
Coding change: c.2242C>T on transcript NM_001303052.2 (MANE Select); coding-DNA position 2242, C replaced by T.
Protein change: p.Gln748Ter; replaces glutamine 748 with a stop codon.
Molecular consequence: nonsense.
Genome position (GRCh38, 1-based): chr2:1,892,078, G>A on the plus strand (C>T on the coding strand, the complement: MYT1L is on the minus strand). VCF-style: chr2-1892078-G-A. GRCh37 (hg19) VCF-style: chr2-1895850-G-A.
Other names: c.2242C>T, p.Gln748Ter (NM_001329845.1, NM_001329851.3, NM_001329844.2); c.2236C>T, p.Gln746Ter (NM_001329846.3, NM_001329847.2, NM_001329848.1 and 3 more transcripts); short protein forms Q746*, Q748*.
Identifiers: ClinVar variation 4850791 (VCV004850791.1).

ClinVar aggregate classification (germline): Pathogenic (1 of 4 stars; one submission).

Conditions:
Intellectual developmental disorder, autosomal dominant 39. Also called: Mental retardation, autosomal dominant 39; Intellectual disability, autosomal dominant 39. Identifiers: MedGen C4225296, MONDO:0014678, OMIM 616521.

Submission:

Variantyx, Inc.
Classification: Pathogenic for Intellectual developmental disorder, autosomal dominant 39. Last evaluated: 2025-06-23. Review status: criteria provided, single submitter. Criteria: Variantyx Assertion Criteria 2022. Collection method: clinical testing. Allele origin: de novo. Inheritance: Autosomal dominant inheritance. Affected: yes.
Comment: This is a nonsense variant in the MYT1L gene (OMIM: 613084). Pathogenic variants in this gene have been associated with autosomal dominant intellectual developmental disorder 39. The alteration introduces a premature termination codon in exon 15 out of 25 and is expected to result in loss of function, which is a known disease mechanism for MYT1L in this disorder (PMID: 28859103; 34748075) (PVS1). This variant is absent from control populations (PM2) and it has not been reported in individuals with MYT1L-related disorders in the databases available for review. Based on the current evidence, this variant is classified as pathogenic for autosomal dominant intellectual developmental disorder 39.

Literature cited by the submitters: PubMed 28859103; PubMed 34748075.